The following is an entry in ClinVar:

NM_144997.7(FLCN):c.1599G>C (p.Gln533His)

Gene: FLCN (folliculin; minus strand). Cytogenetic location: 17p11.2.
Variant type: single nucleotide variant.
Coding change: c.1599G>C on transcript NM_144997.7 (MANE Select); coding-DNA position 1599, G replaced by C.
Protein change: p.Gln533His; replaces glutamine 533 with histidine.
Molecular consequence: missense variant.
Genome position (GRCh38, 1-based): chr17:17,213,796, C>G on the plus strand (G>C on the coding strand, the complement: FLCN is on the minus strand). VCF-style: chr17-17213796-C-G. GRCh37 (hg19) VCF-style: chr17-17117110-C-G.
Other names: c.1599G>C (LRG_325t1); c.1653G>C, p.Gln551His (NM_001353229.2); c.1599G>C, p.Gln533His (NM_001353230.2, NM_001353231.2); short protein forms Q533H, Q551H.
Identifiers: ClinVar variation 579021 (VCV000579021.14), dbSNP rs190965235, ClinGen allele CA8415930.

ClinVar aggregate classification (germline): Conflicting classifications of pathogenicity. Review status: criteria provided, conflicting classifications (1 of 4 stars). 6 submissions from 6 submitters: Uncertain significance (4); Likely benign (2). Last evaluated 2025-12-24.

Conditions:
Birt-Hogg-Dube syndrome. Also called: Birt Hogg Dubé syndrome. Identifiers: Orphanet 122, MedGen C0346010, MONDO:0800444.
Birt-Hogg-Dube syndrome 1 (BHD1). Also called: FIBROFOLLICULOMAS WITH TRICHODISCOMAS AND ACROCHORDONS. Identifiers: Orphanet 122, MedGen CN375946, MONDO:0800445, OMIM 135150.
FLCN-related disorder. Also called: FLCN-related condition.
Hereditary cancer-predisposing syndrome. Also called: Hereditary neoplastic syndrome; Tumor predisposition; Hereditary Cancer Syndrome; Neoplastic Syndromes, Hereditary. Identifiers: Orphanet 140162, MedGen C0027672, MeSH D009386, MONDO:0015356.

Allele frequency attached by ClinVar (database versions not stated): ExAC 0.00001; gnomAD 0.00001; TOPMed 0.00001; gnomAD exomes 0.00002; 1000 Genomes Project 30x 0.00031; 1000 Genomes Project 0.00040.

Submissions (6):

Labcorp Genetics (formerly Invitae), Labcorp
Classification: Uncertain significance for Birt-Hogg-Dube syndrome. Last evaluated: 2025-12-24. Review status: criteria provided, single submitter. Criteria: Invitae Variant Classification Sherloc (09022015). Collection method: clinical testing. Allele origin: germline.
Comment: This sequence change replaces glutamine, which is neutral and polar, with histidine, which is basic and polar, at codon 533 of the FLCN protein (p.Gln533His). This variant is present in population databases (rs190965235, gnomAD 0.01%). This variant has not been reported in the literature in individuals affected with FLCN-related conditions. ClinVar contains an entry for this variant (Variation ID: 579021). Invitae Evidence Modeling of protein sequence and biophysical properties (such as structural, functional, and spatial information, amino acid conservation, physicochemical variation, residue mobility, and thermodynamic stability) indicates that this missense variant is not expected to disrupt FLCN protein function with a negative predictive value of 80%. In summary, the available evidence is currently insufficient to determine the role of this variant in disease. Therefore, it has been classified as a Variant of Uncertain Significance.

Center for Genomic Medicine, Rigshospitalet, Copenhagen University Hospital
Classification: Uncertain significance. Last evaluated: 2025-03-04. Review status: criteria provided, single submitter. Criteria: ACMG Guidelines, 2015. Collection method: clinical testing. Allele origin: germline.

Myriad Genetics, Inc.
Classification: Likely benign for Birt-Hogg-Dube syndrome 1. Last evaluated: 2024-08-08. Review status: criteria provided, single submitter. Criteria: Myriad Autosomal Dominant, Autosomal Recessive and X-Linked Classification Criteria (2023). Collection method: clinical testing. Allele origin: unknown.
Comment: This variant is considered likely benign. This variant has been observed at a population frequency that is significantly greater than expected given the associated disease prevalence and penetrance.

GeneDx
Classification: Uncertain significance. Last evaluated: 2023-11-07. Review status: criteria provided, single submitter. Criteria: GeneDx Variant Classification Process June 2021. Collection method: clinical testing. Allele origin: germline. Affected: yes.
Comment: In silico analysis supports that this missense variant does not alter protein structure/function; Has not been previously published as pathogenic or benign to our knowledge; This variant is associated with the following publications: (PMID: 23675308, 17028174)

PreventionGenetics, part of Exact Sciences
Classification: Uncertain significance for FLCN-related condition. Last evaluated: 2022-11-24. Review status: criteria provided, single submitter. Criteria: ACMG Guidelines, 2015. Collection method: clinical testing. Allele origin: germline.
Comment: The FLCN c.1599G>C variant is predicted to result in the amino acid substitution p.Gln533His. To our knowledge, this variant has not been reported in the literature. This variant is reported in 0.010% of alleles in individuals of East Asian descent in gnomAD. Although we suspect that this variant may be benign, at this time, the clinical significance of this variant is uncertain due to the absence of conclusive functional and genetic evidence.

Ambry Genetics
Classification: Likely benign for Hereditary cancer-predisposing syndrome. Last evaluated: 2022-07-12. Review status: criteria provided, single submitter. Criteria: Ambry Variant Classification Scheme 2023. Collection method: clinical testing. Allele origin: germline.